The following is an entry in ClinVar:

NM_003418.5(CNBP):c.-14-837_-14-830del

Genes: CNBP (CCHC-type zinc finger nucleic acid binding protein; minus strand), LOC108644431 (myotonic dystrophy type 2 repeat instability region; plus strand). Cytogenetic location: 3q21.3.
Variant type: Microsatellite.
Coding change: c.-14-837_-14-830del on transcript NM_003418.5 (MANE Select); 837 bases into the intron before 14 bases upstream of the start codon through 830 bases into the intron before 14 bases upstream of the start codon, 8 bases deleted (TCTGCCTG; older notation c.-14-837_-14-830delTCTGCCTG).
Molecular consequence: intron variant.
Genome position (GRCh38, 1-based): chr3:129,172,601-129,172,608, CAGGCAGA deleted on the plus strand (TCTGCCTG on the coding strand, the reverse complement: CNBP is on the minus strand); deleting any 8 consecutive bases within chr3:129,172,601-129,172,623 gives the same sequence; the c. name uses the placement nearest the transcript's 3' end. VCF-style (leftmost placement, unchanged base first): chr3-129172600-GCAGGCAGA-G. GRCh37 (hg19) VCF-style: chr3-128891443-GCAGGCAGA-G.
Other names: c.-14-837_-14-830del (NM_001127196.2, NM_001127195.2, NM_001127194.2 and 2 more transcripts).
Identifiers: ClinVar variation 3042006 (VCV003042006.2), dbSNP rs55999291, ClinGen allele CA82586953.

ClinVar aggregate classification (germline): Likely benign (0 of 4 stars; one submission).

Conditions:
CNBP-related disorder. Also called: CNBP-related condition.

Submission:

PreventionGenetics, part of Exact Sciences
Classification: Likely benign for CNBP-related condition. Last evaluated: 2023-02-16. Review status: no assertion criteria provided. Collection method: clinical testing. Allele origin: germline.
Comment: This variant is classified as likely benign based on ACMG/AMP sequence variant interpretation guidelines (Richards et al. 2015 PMID: 25741868, with internal and published modifications).